The following is an entry in ClinVar:

ClinVar aggregate classification (germline): Conflicting classifications of pathogenicity. Review status: criteria provided, conflicting classifications (1 of 4 stars). 7 submissions from 7 submitters: Uncertain significance (5); Benign (1); Likely benign (1). Last evaluated 2026-04-01.

Conditions:
EGR2-related disorder. Also called: EGR2-related condition.
Inborn genetic diseases. Identifiers: MedGen C0950123, MeSH D030342.
Charcot-Marie-Tooth disease, type I (CMT1). Also called: Charcot-Marie-Tooth, Type 1; Charcot-Marie-Tooth disease type 1. Identifiers: Orphanet 65753, MedGen C0751036, MONDO:0019011.

Submissions (7):

PreventionGenetics, part of Exact Sciences
Classification: Uncertain significance for EGR2-related condition. Last evaluated: 2026-04-01. Review status: criteria provided, single submitter. Criteria: ACMG Guidelines, 2015. Collection method: clinical testing. Allele origin: germline.
Comment: The EGR2 c.925_927dupGCC variant is predicted to result in an in-frame duplication (p.Ala309dup). This variant was reported as a variant of uncertain significance in an individual from a large cohort study of Charcot-Marie-Tooth disease; however, additional evidence was not provided (Volodarsky et al. 2021. PubMed ID: 32376792). This variant is reported in 0.030% of alleles in individuals of East Asian descent in gnomAD, which may be too frequent to be a primary cause of autosomal dominant disease. At this time, the clinical significance of this variant is uncertain due to the absence of conclusive functional and genetic evidence.

GeneDx
Classification: Uncertain significance. Last evaluated: 2025-12-12. Review status: criteria provided, single submitter. Criteria: GeneDx Variant Classification Process June 2021. Collection method: clinical testing. Allele origin: germline. Affected: yes.
Comment: Reported as a variant of uncertain significance in an individual with suspected Charcot-Marie-Tooth disease; however, clinical and segregation information was not provided (PMID: 32376792); In-frame duplication of 1 amino acid(s) in a repetitive region with no known function; This variant is associated with the following publications: (PMID: 26274329, 32376792)

Labcorp Genetics (formerly Invitae), Labcorp
Classification: Uncertain significance for Charcot-Marie-Tooth disease, type I. Last evaluated: 2025-08-29. Review status: criteria provided, single submitter. Criteria: Invitae Variant Classification Sherloc (09022015). Collection method: clinical testing. Allele origin: germline.
Comment: This variant, c.925_927dup, results in the insertion of 1 amino acid(s) of the EGR2 protein (p.Ala309dup), but otherwise preserves the integrity of the reading frame. This variant is present in population databases (rs753747037, gnomAD 0.03%). This variant has been observed in individual(s) with clinical features of Charcot-Marie-Tooth disease (PMID: 32376792). ClinVar contains an entry for this variant (Variation ID: 418176). Experimental studies and prediction algorithms are not available or were not evaluated, and the functional significance of this variant is currently unknown. In summary, the available evidence is currently insufficient to determine the role of this variant in disease. Therefore, it has been classified as a Variant of Uncertain Significance.

ARUP Laboratories, Molecular Genetics and Genomics, ARUP Laboratories
Classification: Uncertain significance. Last evaluated: 2023-12-20. Review status: criteria provided, single submitter. Criteria: ARUP Molecular Germline Variant Investigation Process 2024. Collection method: clinical testing. Allele origin: germline.
Comment: The EGR2 c.925_927dup; p.Ala309dup variant (rs753747037) is reported in the literature in an individual with Charcot-Marie-Tooth disease (Volodarsky 2021). This variant is also reported in ClinVar (Variation ID: 418176). It is observed in the general population with an overall allele frequency of 0.02% (47/274998 alleles) in the Genome Aggregation Database (v2.1.1). This variant inserts a single alanine residue leaving the rest of the protein in-frame. Due to limited information, the clinical significance of this variant is uncertain at this time. References: Volodarsky M et al. Comprehensive genetic sequence and copy number analysis for Charcot-Marie-Tooth disease in a Canadian cohort of 2517 patients. J Med Genet. 2021 Apr;58(4):284-288. PMID: 32376792.

Athena Diagnostics
Classification: Benign. Last evaluated: 2020-12-15. Review status: criteria provided, single submitter. Criteria: Athena Diagnostics criteria. Collection method: clinical testing. Allele origin: unknown.

Revvity Omics, Revvity
Classification: Uncertain significance. Last evaluated: 2020-10-16. Review status: criteria provided, single submitter. Criteria: ACMG Guidelines, 2015. Collection method: clinical testing. Allele origin: germline.

Ambry Genetics
Classification: Likely benign for Inborn genetic diseases. Last evaluated: 2019-11-19. Review status: criteria provided, single submitter. Criteria: Ambry Variant Classification Scheme 2023. Collection method: clinical testing. Allele origin: germline.

Literature cited by the submitters: PubMed 32376792 (cited by Labcorp Genetics (formerly Invitae), Labcorp).

NM_000399.5(EGR2):c.910GCC[7] (p.Ala309dup)

Gene: EGR2 (early growth response 2; minus strand). Cytogenetic location: 10q21.3.
Variant type: Microsatellite.
Coding change: c.910GCC[7] on transcript NM_000399.5 (MANE Select); seven copies in a row of the 3-base unit GCC starting at c.910; the reference has six copies in a row; one copy, 3 bases duplicated; also written c.925_927dup.
Protein change: p.Ala309dup; duplicates alanine 309.
Molecular consequence: inframe insertion.
Genome position (GRCh38, 1-based): chr10:62,813,711-62,813,713, GGC duplicated on the plus strand (GCC on the coding strand, the reverse complement: EGR2 is on the minus strand); duplicating any 3 consecutive bases within chr10:62,813,711-62,813,728 gives the same sequence; the position shown is the placement nearest the transcript's 3' end. VCF-style (leftmost placement, unchanged base first): chr10-62813710-A-AGGC. GRCh37 (hg19) VCF-style: chr10-64573470-A-AGGC.
Other names: c.925_927dup (NM_000399.3, NM_000399.5); c.910GCC[7], p.Ala309dup (NM_001136177.3, NM_001136178.2); c.760GCC[7], p.Ala259dup (NM_001136179.3, NM_001321037.2); c.925_927dupGCC (NM_000399.4).
Identifiers: ClinVar variation 418176 (VCV000418176.19), dbSNP rs753747037, ClinGen allele CA5517194.
Genomic context (GRCh38, chr10:62,813,710, plus strand): 5'-GTCTGTTGGGGTACTTGCGAGGCCTCAGAATGGGCCGCAGTGGCAGGTGGTGTGGGTTAT[A>AGGC]GGCGGCGGCGGCGGCGGCTGCTGCTGCTGCTGAGCTGCTACCAGGCAGCCGGGGTCCCTC-3'